The following is an entry in ClinVar:

ClinVar aggregate classification (germline): Uncertain significance (1 of 4 stars; one submission).

Submission:

Labcorp Genetics (formerly Invitae), Labcorp
Classification: Uncertain significance. Last evaluated: 2025-02-09. Review status: criteria provided, single submitter. Criteria: Invitae Variant Classification Sherloc (09022015). Collection method: clinical testing. Allele origin: germline.
Comment: This sequence change replaces tyrosine, which is neutral and polar, with aspartic acid, which is acidic and polar, at codon 1492 of the LTBP4 protein (p.Tyr1492Asp). This variant is not present in population databases (gnomAD no frequency). This variant has not been reported in the literature in individuals affected with LTBP4-related conditions. Experimental studies and prediction algorithms are not available or were not evaluated, and the functional significance of this variant is currently unknown. In summary, the available evidence is currently insufficient to determine the role of this variant in disease. Therefore, it has been classified as a Variant of Uncertain Significance.

NM_001042545.2(LTBP4):c.4384T>G (p.Tyr1462Asp)

Gene: LTBP4 (latent transforming growth factor beta binding protein 4; plus strand). Cytogenetic location: 19q13.2.
Variant type: single nucleotide variant.
Coding change: c.4384T>G on transcript NM_001042545.2 (MANE Select); coding-DNA position 4384, T replaced by G.
Protein change: p.Tyr1462Asp; replaces tyrosine 1462 with aspartic acid.
Molecular consequence: missense variant.
Genome position (GRCh38, 1-based): chr19:40,627,722, T>G. VCF-style: chr19-40627722-T-G. GRCh37 (hg19) VCF-style: chr19-41133627-T-G.
Other names: c.4585T>G, p.Tyr1529Asp (NM_001042544.1); c.4474T>G, p.Tyr1492Asp (NM_003573.2); short protein forms Y1462D, Y1492D, Y1529D.
Identifiers: ClinVar variation 3690724 (VCV003690724.2).